The following is an entry in ClinVar:

NM_001127198.5(TMC6):c.1075G>T (p.Val359Leu)

Gene: TMC6 (transmembrane channel like 6; minus strand). Cytogenetic location: 17q25.3.
Variant type: single nucleotide variant.
Coding change: c.1075G>T on transcript NM_001127198.5 (MANE Select); coding-DNA position 1075, G replaced by T.
Protein change: p.Val359Leu; replaces valine 359 with leucine.
Molecular consequence: missense variant. On other transcripts: non-coding transcript variant (4).
Genome position (GRCh38, 1-based): chr17:78,123,996, C>A on the plus strand (G>T on the coding strand, the complement: TMC6 is on the minus strand). VCF-style: chr17-78123996-C-A. GRCh37 (hg19) VCF-style: chr17-76120077-C-A.
Other names: c.1075G>T, p.Val359Leu (NM_001321185.1, NM_001374593.1, NM_001374594.1 and 4 more transcripts); c.1075G>T (NM_007267.6); short protein forms V359L.
Identifiers: ClinVar variation 1362026 (VCV001362026.5), dbSNP rs145227095, ClinGen allele CA8795894.

ClinVar aggregate classification (germline): Uncertain significance. Review status: criteria provided, multiple submitters, no conflicts (2 of 4 stars). 2 submissions from 2 submitters: Uncertain significance (2). Last evaluated 2024-04-19.

Conditions:
Inborn genetic diseases. Identifiers: MedGen C0950123, MeSH D030342.
Epidermodysplasia verruciformis. Identifiers: Orphanet 302, MedGen C0014522, MONDO:0009176.

Allele frequency attached by ClinVar (database versions not stated): gnomAD exomes 0.00001 and 0.00006; ExAC 0.00008; gnomAD 0.00014 and 0.00015; TOPMed 0.00016; ESP Exome Variant Server 0.00023; 1000 Genomes Project 0.00040; 1000 Genomes Project 30x 0.00062.
gnomAD v4.1: 41 of 1,613,770 alleles (0.0025%); highest among the groups gnomAD compares: African/African-American, 0.049%; no homozygotes.

Submissions (2):

Ambry Genetics
Classification: Uncertain significance for Inborn genetic diseases. Last evaluated: 2024-04-19. Review status: criteria provided, single submitter. Criteria: Ambry Variant Classification Scheme 2023. Collection method: clinical testing. Allele origin: germline.

Labcorp Genetics (formerly Invitae), Labcorp
Classification: Uncertain significance for Epidermodysplasia verruciformis. Last evaluated: 2023-12-18. Review status: criteria provided, single submitter. Criteria: Invitae Variant Classification Sherloc (09022015). Collection method: clinical testing. Allele origin: germline.
Comment: This sequence change replaces valine, which is neutral and non-polar, with leucine, which is neutral and non-polar, at codon 359 of the TMC6 protein (p.Val359Leu). This variant is present in population databases (rs145227095, gnomAD 0.06%). This variant has not been reported in the literature in individuals affected with TMC6-related conditions. ClinVar contains an entry for this variant (Variation ID: 1362026). An algorithm developed to predict the effect of missense changes on protein structure and function (PolyPhen-2) suggests that this variant is likely to be disruptive. In summary, the available evidence is currently insufficient to determine the role of this variant in disease. Therefore, it has been classified as a Variant of Uncertain Significance.